The following is an entry in ClinVar:

NM_001032283.3(TMPO):c.565+1954A>G

Gene: TMPO (thymopoietin; plus strand). Cytogenetic location: 12q23.1.
Variant type: single nucleotide variant.
Coding change: c.565+1954A>G on transcript NM_001032283.3 (MANE Select); 1954 bases into the intron after coding-DNA position 565, A replaced by G.
Molecular consequence: intron variant. On other transcripts: missense variant (1).
Genome position (GRCh38, 1-based): chr12:98,533,792, A>G. VCF-style: chr12-98533792-A-G. GRCh37 (hg19) VCF-style: chr12-98927570-A-G.
Other names: c.1535A>G, p.Gln512Arg (NM_003276.2); c.565+1954A>G (NM_001307975.2, NM_001032284.3); short protein forms Q512R.
Identifiers: ClinVar variation 3628250 (VCV003628250.2).

ClinVar aggregate classification (germline): Uncertain significance (1 of 4 stars; one submission).

Conditions:
Loeys-Dietz syndrome 2 (LDS2). Also called: AORTIC ANEURYSM, FAMILIAL THORACIC 3; MARFAN SYNDROME, TYPE II; Marfan Syndrome type 2; Marfan like connective tissue disorder; MFS 2; TGFBR2-Related Loeys-Dietz Syndrome. Identifiers: Orphanet 284973, Orphanet 558, MedGen C2674574, MONDO:0012427, OMIM 610168.

Submission:

Labcorp Genetics (formerly Invitae), Labcorp
Classification: Uncertain significance for Loeys-Dietz syndrome 2. Last evaluated: 2024-05-06. Review status: criteria provided, single submitter. Criteria: Invitae Variant Classification Sherloc (09022015). Collection method: clinical testing. Allele origin: germline.
Comment: This sequence change replaces glutamine, which is neutral and polar, with arginine, which is basic and polar, at codon 512 of the TMPO protein (p.Gln512Arg). This variant is not present in population databases (gnomAD no frequency). This variant has not been reported in the literature in individuals affected with TMPO-related conditions. Advanced modeling of protein sequence and biophysical properties (such as structural, functional, and spatial information, amino acid conservation, physicochemical variation, residue mobility, and thermodynamic stability) performed at Invitae indicates that this missense variant is not expected to disrupt TMPO protein function with a negative predictive value of 80%. In summary, the available evidence is currently insufficient to determine the role of this variant in disease. Therefore, it has been classified as a Variant of Uncertain Significance.